The following is an entry in ClinVar:

ClinVar aggregate classification (germline): Uncertain significance (1 of 4 stars; one submission).

Submission:

Labcorp Genetics (formerly Invitae), Labcorp
Classification: Uncertain significance. Last evaluated: 2024-11-04. Review status: criteria provided, single submitter. Criteria: Invitae Variant Classification Sherloc (09022015). Collection method: clinical testing. Allele origin: germline.
Comment: This sequence change replaces glutamine, which is neutral and polar, with glutamic acid, which is acidic and polar, at codon 148 of the PSMA3 protein (p.Gln148Glu). This variant is not present in population databases (gnomAD no frequency). This variant has not been reported in the literature in individuals affected with PSMA3-related conditions. ClinVar contains an entry for this variant (Variation ID: 1425352). An algorithm developed to predict the effect of missense changes on protein structure and function (PolyPhen-2) suggests that this variant is likely to be tolerated. In summary, the available evidence is currently insufficient to determine the role of this variant in disease. Therefore, it has been classified as a Variant of Uncertain Significance.

NM_002788.4(PSMA3):c.442C>G (p.Gln148Glu)

Gene: PSMA3 (proteasome 20S subunit alpha 3; plus strand). Cytogenetic location: 14q23.1.
Variant type: single nucleotide variant.
Coding change: c.442C>G on transcript NM_002788.4 (MANE Select); coding-DNA position 442, C replaced by G.
Protein change: p.Gln148Glu; replaces glutamine 148 with glutamic acid.
Molecular consequence: missense variant. On other transcripts: non-coding transcript variant (1).
Genome position (GRCh38, 1-based): chr14:58,260,985, C>G. VCF-style: chr14-58260985-C-G. GRCh37 (hg19) VCF-style: chr14-58727703-C-G.
Other names: c.421C>G, p.Gln141Glu (NM_152132.3); short protein forms Q148E, Q141E.
Identifiers: ClinVar variation 1425352 (VCV001425352.8), dbSNP rs2140089697, ClinGen allele CA389849869.
Genomic context (GRCh38, chr14:58,260,985, plus strand): 5'-GCTGTTTGTATACTTTCATGCAGTTTCATGTTAGGGTCTTACAGTGTGAATGACGGTGCG[C>G]AACTCTACATGATTGACCCATCAGGTGTTTCATACGTGAGTAATTTTGAATCATTTGAAA-3'
Protein context (NP_002779.1, residues 138-158): LGSYSVNDGA[Gln148Glu]LYMIDPSGVS